The following is an entry in ClinVar:

NM_020822.3(KCNT1):c.1513C>A (p.His505Asn)

Gene: KCNT1 (potassium sodium-activated channel subfamily T member 1; plus strand). Cytogenetic location: 9q34.3.
Variant type: single nucleotide variant.
Coding change: c.1513C>A on transcript NM_020822.3 (MANE Select); coding-DNA position 1513, C replaced by A.
Protein change: p.His505Asn; replaces histidine 505 with asparagine.
Molecular consequence: missense variant.
Genome position (GRCh38, 1-based): chr9:135,769,949, C>A. VCF-style: chr9-135769949-C-A. GRCh37 (hg19) VCF-style: chr9-138661795-C-A.
Other names: c.1378C>A, p.His460Asn (NM_001272003.2); short protein forms H460N, H505N.
Identifiers: ClinVar variation 4791833 (VCV004791833.1).
Genomic context (GRCh38, chr9:135,769,949, plus strand): 5'-TGGGGGAGGAGAGAGCCGGCAGAGCGGCAGGTGGACCGGCCTCCCCCACTGCCCGCAGAC[C>A]ACGTGGTGTGTGAGGAGGAGTGCAAGTACGCCATGCTGGCGCTGAACTGCATCTGCCCGG-3'
Protein context (NP_065873.2, residues 495-515): ENKFHVKFAD[His505Asn]VVCEEECKYA

ClinVar aggregate classification (germline): Uncertain significance (1 of 4 stars; one submission).

Conditions:
Autosomal dominant nocturnal frontal lobe epilepsy 5. Also called: CILIARY DYSKINESIA, PRIMARY, 28, WITH SITUS INVERSUS; Epilepsy, nocturnal frontal lobe, 5; CILIARY DYSKINESIA, PRIMARY, 28, WITHOUT SITUS INVERSUS; KCNT1-Related Epilepsy. Identifiers: Orphanet 98784, MedGen C3554306, MONDO:0014002, OMIM 615005.
Developmental and epileptic encephalopathy, 14 (DEE14). Also called: Early infantile epileptic encephalopathy 14. Identifiers: Orphanet 293181, MedGen C3554195, MONDO:0013989, OMIM 614959.

gnomAD v4.1: 2 of 1,550,618 alleles (0.00013%); highest among the groups gnomAD compares: Non-Finnish European, 0.000087%; no homozygotes.

Submission:

Labcorp Genetics (formerly Invitae), Labcorp
Classification: Uncertain significance for Autosomal dominant nocturnal frontal lobe epilepsy 5; Developmental and epileptic encephalopathy, 14. Last evaluated: 2025-02-18. Review status: criteria provided, single submitter. Criteria: Invitae Variant Classification Sherloc (09022015). Collection method: clinical testing. Allele origin: germline.
Comment: This sequence change replaces histidine, which is basic and polar, with asparagine, which is neutral and polar, at codon 505 of the KCNT1 protein (p.His505Asn). This variant is not present in population databases (gnomAD no frequency). This variant has not been reported in the literature in individuals affected with KCNT1-related conditions. An algorithm developed to predict the effect of missense changes on protein structure and function (PolyPhen-2) suggests that this variant is likely to be tolerated. In summary, the available evidence is currently insufficient to determine the role of this variant in disease. Therefore, it has been classified as a Variant of Uncertain Significance.